The following is an entry in ClinVar:

ClinVar aggregate classification (germline): Conflicting classifications of pathogenicity. Review status: criteria provided, conflicting classifications (1 of 4 stars). 2 submissions from 2 submitters: Uncertain significance (1); Likely benign (1). Last evaluated 2025-04-20.

Conditions:
Immunodeficiency 51 (IMD51). Also called: CANDIDIASIS, FAMILIAL, 5. Identifiers: Orphanet 1334, MedGen C4310803, MONDO:0013500, OMIM 613953.

Allele frequency attached by ClinVar (database versions not stated): gnomAD exomes below 0.00001 and 0.00001; TOPMed 0.00002.
gnomAD v4.1: 13 of 1,614,190 alleles (0.00081%); highest among the groups gnomAD compares: Middle Eastern, 0.016%; no homozygotes.

Submissions (2):

Labcorp Genetics (formerly Invitae), Labcorp
Classification: Likely benign for Immunodeficiency 51. Last evaluated: 2025-04-20. Review status: criteria provided, single submitter. Criteria: Invitae Variant Classification Sherloc (09022015). Collection method: clinical testing. Allele origin: germline.

Laboratorio de Genetica e Diagnostico Molecular, Hospital Israelita Albert Einstein
Classification: Uncertain significance for Immunodeficiency 51. Last evaluated: 2021-03-30. Review status: criteria provided, single submitter. Criteria: ACMG Guidelines, 2015. Collection method: clinical testing. Allele origin: germline. Affected: yes.
Comment: ACMG classification criteria: PM2

NM_014339.7(IL17RA):c.582G>A (p.Thr194=)

Gene: IL17RA (interleukin 17 receptor A; plus strand). Cytogenetic location: 22q11.1.
Variant type: single nucleotide variant.
Coding change: c.582G>A on transcript NM_014339.7 (MANE Select); coding-DNA position 582, G replaced by A.
Protein change: p.Thr194=; no amino-acid change (threonine 194 retained).
Molecular consequence: synonymous variant.
Genome position (GRCh38, 1-based): chr22:17,102,027, G>A. VCF-style: chr22-17102027-G-A. GRCh37 (hg19) VCF-style: chr22-17582917-G-A.
Other names: c.582G>A, p.Thr194= (NM_001289905.2).
Identifiers: ClinVar variation 1683660 (VCV001683660.4), dbSNP rs774719700, ClinGen allele CA321149636.
Genomic context (GRCh38, chr22:17,102,027, plus strand): 5'-AATGAGTTTCCTTTTTTCTGGGTCGACAGACTGTGAGCACGCCAGGATGAAGGTAACCAC[G>A]CCATGCATGAGCTCAGGTAACAGCTGGCCCGGGAGAGCTTTATTTGGATGCATACACATG-3'
Protein context (NP_055154.3, residues 184-204): DCEHARMKVT[Thr194=]PCMSSGSLWD